The following is an entry in ClinVar:

NM_000052.7(ATP7A):c.2773A>G (p.Thr925Ala)

Gene: ATP7A (ATPase copper transporting alpha; plus strand). Cytogenetic location: Xq21.1.
Variant type: single nucleotide variant.
Coding change: c.2773A>G on transcript NM_000052.7 (MANE Select); coding-DNA position 2773, A replaced by G.
Protein change: p.Thr925Ala; replaces threonine 925 with alanine.
Molecular consequence: missense variant.
Genome position (GRCh38, 1-based): chrX:78,020,390, A>G. VCF-style: chrX-78020390-A-G. GRCh37 (hg19) VCF-style: chrX-77275887-A-G.
Other names: c.2539A>G, p.Thr847Ala (NM_001282224.2); short protein forms T847A, T925A.
Identifiers: ClinVar variation 1702630 (VCV001702630.2), dbSNP rs782777820, ClinGen allele CA413602655.

ClinVar aggregate classification (germline): Uncertain significance (1 of 4 stars; one submission).

Submission:

GeneDx
Classification: Uncertain significance. Last evaluated: 2022-02-18. Review status: criteria provided, single submitter. Criteria: GeneDx Variant Classification Process June 2021. Collection method: clinical testing. Allele origin: germline. Affected: yes.
Comment: Not observed at significant frequency in large population cohorts (gnomAD); In silico analysis supports that this missense variant has a deleterious effect on protein structure/function; Has not been previously published as pathogenic or benign to our knowledge